The following is an entry in ClinVar:

NM_003867.4(FGF17):c.599C>A (p.Ser200Tyr)

Gene: FGF17 (fibroblast growth factor 17; plus strand). Cytogenetic location: 8p21.3.
Variant type: single nucleotide variant.
Coding change: c.599C>A on transcript NM_003867.4 (MANE Select); coding-DNA position 599, C replaced by A.
Protein change: p.Ser200Tyr; replaces serine 200 with tyrosine.
Molecular consequence: missense variant.
Genome position (GRCh38, 1-based): chr8:22,048,197, C>A. VCF-style: chr8-22048197-C-A. GRCh37 (hg19) VCF-style: chr8-21905708-C-A.
Other names: c.566C>A, p.Ser189Tyr (NM_001304478.1); short protein forms S189Y, S200Y.
Identifiers: ClinVar variation 2582100 (VCV002582100.1), dbSNP rs1483951286, ClinGen allele CA370510308.

ClinVar aggregate classification (germline): Uncertain significance (1 of 4 stars; one submission).

gnomAD v4.1: 1 of 1,611,468 alleles (0.000062%); highest among the groups gnomAD compares: Non-Finnish European, 0.000085%; no homozygotes.

Submission:

GeneDx
Classification: Uncertain significance. Last evaluated: 2023-03-29. Review status: criteria provided, single submitter. Criteria: GeneDx Variant Classification Process June 2021. Collection method: clinical testing. Allele origin: germline. Affected: yes.
Comment: Not observed at significant frequency in large population cohorts (gnomAD); In silico analysis supports that this missense variant does not alter protein structure/function; Has not been previously published as pathogenic or benign to our knowledge